The following is an entry in ClinVar:

ClinVar aggregate classification (germline): Uncertain significance (1 of 4 stars; one submission).

Conditions:
Cohen syndrome (COH1). Also called: PEPPER SYNDROME; Cutis verticis gyrata, retinitis pigmentosa, and sensorineural deafness. Identifiers: Orphanet 193, MedGen C0265223, MONDO:0008999, OMIM 216550.

Allele frequency attached by ClinVar (database versions not stated): gnomAD exomes below 0.00001; gnomAD 0.00001.
gnomAD v4.1: 2 of 1,613,956 alleles (0.00012%); highest among the groups gnomAD compares: Non-Finnish European, 0.00017%; no homozygotes.

Submission:

Labcorp Genetics (formerly Invitae), Labcorp
Classification: Uncertain significance for Cohen syndrome. Last evaluated: 2024-11-18. Review status: criteria provided, single submitter. Criteria: Invitae Variant Classification Sherloc (09022015). Collection method: clinical testing. Allele origin: germline.
Comment: This sequence change replaces glycine, which is neutral and non-polar, with aspartic acid, which is acidic and polar, at codon 851 of the VPS13B protein (p.Gly851Asp). This variant is present in population databases (no rsID available, gnomAD 0.007%). This variant has not been reported in the literature in individuals affected with VPS13B-related conditions. ClinVar contains an entry for this variant (Variation ID: 1059357). Invitae Evidence Modeling of protein sequence and biophysical properties (such as structural, functional, and spatial information, amino acid conservation, physicochemical variation, residue mobility, and thermodynamic stability) indicates that this missense variant is expected to disrupt VPS13B protein function with a positive predictive value of 80%. In summary, the available evidence is currently insufficient to determine the role of this variant in disease. Therefore, it has been classified as a Variant of Uncertain Significance.

NM_152564.5(VPS13B):c.2552G>A (p.Gly851Asp)

Gene: VPS13B (vacuolar protein sorting 13 homolog B; plus strand). Cytogenetic location: 8q22.2.
Variant type: single nucleotide variant.
Coding change: c.2552G>A on transcript NM_152564.5 (MANE Select); coding-DNA position 2552, G replaced by A.
Protein change: p.Gly851Asp; replaces glycine 851 with aspartic acid.
Molecular consequence: missense variant.
Genome position (GRCh38, 1-based): chr8:99,274,234, G>A. VCF-style: chr8-99274234-G-A. GRCh37 (hg19) VCF-style: chr8-100286462-G-A.
Other names: c.2552G>A, p.Gly851Asp (NM_017890.5); short protein forms G851D.
Identifiers: ClinVar variation 1059357 (VCV001059357.10), dbSNP rs1251819735, ClinGen allele CA371862168.
Genomic context (GRCh38, chr8:99,274,234, plus strand): 5'-ACATTTGCAGTTTTCTTTTATTAGGTGTGAAATCTAAGAATCCCCTGCCAACTCTTGAGG[G>A]CTCAATCCAGAATGTTGAATTGAAGTACTGCAGCACATCATTGGTCAAATGTGCCTCTGG-3'
Protein context (NP_689777.3, residues 841-861): KSKNPLPTLE[Gly851Asp]SIQNVELKYC